The following is an entry in ClinVar:

ClinVar aggregate classification (germline): Uncertain significance. Review status: criteria provided, multiple submitters, no conflicts (2 of 4 stars). 6 submissions from 6 submitters: Uncertain significance (6). Last evaluated 2025-02-13.

Conditions:
Cardiovascular phenotype. Identifiers: MedGen CN230736.
Hypertrophic cardiomyopathy. Also called: HYPERTROPHIC MYOCARDIOPATHY. Identifiers: Orphanet 217569, MedGen C0007194, MeSH D002312, MONDO:0005045, HP:0001639.
Cardiomyopathy (CMYO). Also called: Cardiomyopathies. Identifiers: Orphanet 167848, MedGen C0878544, MONDO:0004994, HP:0001638. Inheritance: Various modes of inheritance.
Dilated cardiomyopathy 2A (CMD2A). Also called: CARDIOMYOPATHY, CONGESTIVE, AUTOSOMAL RECESSIVE; CARDIOMYOPATHY, DILATED, AUTOSOMAL RECESSIVE. Identifiers: Orphanet 154, MedGen C2678474, MONDO:0012746, OMIM 611880.
Cardiomyopathy, familial restrictive, 1. Identifiers: Orphanet 75249, MedGen C1861861, MONDO:0007270, OMIM 115210.
Hypertrophic cardiomyopathy 7. Also called: TNNI3-Related Familial Hypertrophic Cardiomyopathy; Familial hypertrophic cardiomyopathy 7; CARDIOMYOPATHY, FAMILIAL HYPERTROPHIC, 7, MODIFIER OF. Identifiers: MedGen C1860752, MONDO:0013369, OMIM 613690.
Dilated cardiomyopathy 1FF (CMD1FF). Identifiers: Orphanet 154, MedGen C2750091, MONDO:0013211, OMIM 613286.

Allele frequency attached by ClinVar (database versions not stated): gnomAD 0.00001.
gnomAD v4.1: 8 of 1,611,850 alleles (0.0005%); highest among the groups gnomAD compares: South Asian, 0.0055%; no homozygotes.

Submissions (6):

Labcorp Genetics (formerly Invitae), Labcorp
Classification: Uncertain significance for Hypertrophic cardiomyopathy. Last evaluated: 2025-02-13. Review status: criteria provided, single submitter. Criteria: Invitae Variant Classification Sherloc (09022015). Collection method: clinical testing. Allele origin: germline.
Comment: This sequence change replaces arginine, which is basic and polar, with cysteine, which is neutral and slightly polar, at codon 74 of the TNNI3 protein (p.Arg74Cys). This variant is present in population databases (no rsID available, gnomAD 0.007%). This missense change has been observed in individual(s) with TNNI3-related conditions (PMID: 33495597). ClinVar contains an entry for this variant (Variation ID: 1171378). An algorithm developed to predict the effect of missense changes on protein structure and function (PolyPhen-2) suggests that this variant is likely to be disruptive. In summary, the available evidence is currently insufficient to determine the role of this variant in disease. Therefore, it has been classified as a Variant of Uncertain Significance.

Color Diagnostics, LLC DBA Color Health
Classification: Uncertain significance for Cardiomyopathy. Last evaluated: 2025-01-07. Review status: criteria provided, single submitter. Criteria: ACMG Guidelines, 2015. Collection method: clinical testing. Allele origin: germline.
Comment: This missense variant replaces arginine with cysteine at codon 74 of the TNNI3 protein. Computational prediction suggests that this variant may have a deleterious impact on protein structure and function. To our knowledge, functional studies have not been reported for this variant. This variant has been reported in an individual affected with hypertrophic cardiomyopathy (PMID: 33495597) and in an individual affected with an unspecified cardiomyopathy (PMID: 37477868). This variant has been identified in 2/239156 chromosomes in the general population by the Genome Aggregation Database (gnomAD). The available evidence is insufficient to determine the role of this variant in disease conclusively. Therefore, this variant is classified as a Variant of Uncertain Significance.

All of Us Research Program, National Institutes of Health
Classification: Uncertain significance for Hypertrophic cardiomyopathy. Last evaluated: 2023-06-28. Review status: criteria provided, single submitter. Criteria: ACMG Guidelines, 2015. Collection method: clinical testing. Allele origin: germline. Inheritance: Autosomal dominant inheritance. Observed: 2 variant alleles, 2 heterozygotes.
Comment: This missense variant replaces arginine with cysteine at codon 74 of the TNNI3 protein. Computational prediction suggests that this variant may have a deleterious impact on protein structure and function (internally defined REVEL score threshold >= 0.7, PMID: 27666373). To our knowledge, functional studies have not been reported for this variant. This variant has been reported in an individual affected with hypertrophic cardiomyopathy (PMID: 33495597). This variant has been identified in 2/239156 chromosomes in the general population by the Genome Aggregation Database (gnomAD). The available evidence is insufficient to determine the role of this variant in disease conclusively. Therefore, this variant is classified as a Variant of Uncertain Significance.

This study involves interpretation of variants in research participants for the purpose of population health screening. Participant phenotype was not available at the time of variant classification. Additional details can be found in publication PMID: 35346344, PMCID: PMC8962531

AiLife Diagnostics
Classification: Uncertain significance. Last evaluated: 2022-01-10. Review status: criteria provided, single submitter. Criteria: ACMG Guidelines, 2015. Collection method: clinical testing. Allele origin: germline. Affected: yes. Observed: 2 variant alleles.

Fulgent Genetics
Classification: Uncertain significance for Cardiomyopathy, familial restrictive, 1; Dilated cardiomyopathy 2A; Dilated cardiomyopathy 1FF; Hypertrophic cardiomyopathy 7. Last evaluated: 2021-11-08. Review status: criteria provided, single submitter. Criteria: ACMG Guidelines, 2015. Collection method: clinical testing. Allele origin: unknown.

Ambry Genetics
Classification: Uncertain significance for Cardiovascular phenotype. Last evaluated: 2019-10-02. Review status: criteria provided, single submitter. Criteria: Ambry Variant Classification Scheme 2023. Collection method: clinical testing. Allele origin: germline.
Comment: The p.R74C variant (also known as c.220C>T), located in coding exon 5 of the TNNI3 gene, results from a C to T substitution at nucleotide position 220. The arginine at codon 74 is replaced by cysteine, an amino acid with highly dissimilar properties. Other variants affecting this codon (p.R74P, p.R74G and p.R74S) have been reported in cardiomyopathy cohorts; however, details were limited (Boda U et al. J. Genet., 2009 Dec;88:373-7; Cecconi M et al. Int. J. Mol. Med., 2016 Oct;38:1111-24; Hayashi T et al. J. Hum. Genet., 2018 Sep;63:989-996). This amino acid position is well conserved in available vertebrate species. In addition, the in silico prediction for this alteration is inconclusive. Since supporting evidence is limited at this time, the clinical significance of this alteration remains unclear.

Literature cited by the submitters: PubMed 33495597 (cited by 3 submitters); PubMed 37477868 (cited by Color Diagnostics, LLC DBA Color Health); PubMed 20086309 (cited by Ambry Genetics); PubMed 27600940 (cited by Ambry Genetics); PubMed 29907873 (cited by Ambry Genetics).

NM_000363.5(TNNI3):c.220C>T (p.Arg74Cys)

Gene: TNNI3 (troponin I3, cardiac type; minus strand). Cytogenetic location: 19q13.42.
Variant type: single nucleotide variant.
Coding change: c.220C>T on transcript NM_000363.5 (MANE Select); coding-DNA position 220, C replaced by T.
Protein change: p.Arg74Cys; replaces arginine 74 with cysteine.
Molecular consequence: missense variant.
Genome position (GRCh38, 1-based): chr19:55,156,263, G>A on the plus strand (C>T on the coding strand, the complement: TNNI3 is on the minus strand). VCF-style: chr19-55156263-G-A. GRCh37 (hg19) VCF-style: chr19-55667631-G-A.
Other names: short protein forms R74C.
Identifiers: ClinVar variation 1171378 (VCV001171378.13), dbSNP rs375795196, ClinGen allele CA407441793.
Genomic context (GRCh38, chr19:55,156,263, plus strand): 5'-GCAGCTCCGCGAAGCCCAGCCCGGCCAACTCCAGCGGCTGGCAGCGGGTGCTCAGAGCGC[G>A]CCCCTTCTCTCCGCGCCGCTCCTCCGCCTCTCGCTCCAGCTCTTGCTTTGCAATCTGCAG-3'
Protein context (NP_000354.4, residues 64-84): EAEERRGEKG[Arg74Cys]ALSTRCQPLE